The following is an entry in ClinVar:

ClinVar aggregate classification (germline): Uncertain significance (1 of 4 stars; one submission).

Conditions:
Beta-D-mannosidosis (MANSB). Also called: Beta-Mannosidosis; MANNOSIDOSIS, BETA A, LYSOSOMAL; BETA-MANNOSIDASE DEFICIENCY; LYSOSOMAL BETA-MANNOSIDASE DEFICIENCY. Identifiers: Orphanet 118, MedGen C4048196, MONDO:0009562, OMIM 248510.

gnomAD v4.1: 1 of 1,591,220 alleles (0.000063%); highest among the groups gnomAD compares: Non-Finnish European, 0.000086%; no homozygotes.

Submission:

Labcorp Genetics (formerly Invitae), Labcorp
Classification: Uncertain significance for Beta-D-mannosidosis. Last evaluated: 2024-12-07. Review status: criteria provided, single submitter. Criteria: Invitae Variant Classification Sherloc (09022015). Collection method: clinical testing. Allele origin: germline.
Comment: This sequence change replaces serine, which is neutral and polar, with proline, which is neutral and non-polar, at codon 237 of the MANBA protein (p.Ser237Pro). This variant is not present in population databases (gnomAD no frequency). This variant has not been reported in the literature in individuals affected with MANBA-related conditions. Invitae Evidence Modeling of protein sequence and biophysical properties (such as structural, functional, and spatial information, amino acid conservation, physicochemical variation, residue mobility, and thermodynamic stability) indicates that this missense variant is not expected to disrupt MANBA protein function with a negative predictive value of 80%. In summary, the available evidence is currently insufficient to determine the role of this variant in disease. Therefore, it has been classified as a Variant of Uncertain Significance.

NM_005908.4(MANBA):c.709T>C (p.Ser237Pro)

Gene: MANBA (mannosidase beta; minus strand). Cytogenetic location: 4q24.
Variant type: single nucleotide variant.
Coding change: c.709T>C on transcript NM_005908.4 (MANE Select); coding-DNA position 709, T replaced by C.
Protein change: p.Ser237Pro; replaces serine 237 with proline.
Molecular consequence: missense variant.
Genome position (GRCh38, 1-based): chr4:102,690,736, A>G on the plus strand (T>C on the coding strand, the complement: MANBA is on the minus strand). VCF-style: chr4-102690736-A-G. GRCh37 (hg19) VCF-style: chr4-103611893-A-G.
Other names: short protein forms S237P.
Identifiers: ClinVar variation 3630600 (VCV003630600.2).